The following is an entry in ClinVar:

ClinVar aggregate classification (germline): Uncertain significance (1 of 4 stars; one submission).

Conditions:
Neurodegeneration with brain iron accumulation 5 (NBIA5). Also called: STATIC ENCEPHALOPATHY OF CHILDHOOD WITH NEURODEGENERATION IN ADULTHOOD; Beta-propeller protein-associated neurodegeneration. Identifiers: Orphanet 329284, MedGen C3550973, MONDO:0010476, OMIM 300894.

Allele frequency attached by ClinVar (database versions not stated): gnomAD exomes below 0.00001 and 0.00001; ExAC 0.00001.

Submissions (2):

Labcorp Genetics (formerly Invitae), Labcorp
Classification: Uncertain significance for Neurodegeneration with brain iron accumulation 5. Last evaluated: 2020-11-13. Review status: criteria provided, single submitter. Criteria: Invitae Variant Classification Sherloc (09022015). Collection method: clinical testing. Allele origin: germline.
Comment: This sequence change replaces asparagine with serine at codon 132 of the WDR45 protein (p.Asn132Ser). The asparagine residue is moderately conserved and there is a small physicochemical difference between asparagine and serine. This variant is present in population databases (rs781805068, ExAC 0.01%). This variant has not been reported in the literature in individuals with WDR45-related conditions. Algorithms developed to predict the effect of missense changes on protein structure and function output the following: SIFT: "Tolerated"; PolyPhen-2: "Benign"; Align-GVGD: "Class C0". The serine amino acid residue is found in multiple mammalian species, suggesting that this missense change does not adversely affect protein function. These predictions have not been confirmed by published functional studies and their clinical significance is uncertain. Algorithms developed to predict the effect of sequence changes on RNA splicing suggest that this variant may create or strengthen a splice site, but this prediction has not been confirmed by published transcriptional studies. In summary, the available evidence is currently insufficient to determine the role of this variant in disease. Therefore, it has been classified as a Variant of Uncertain Significance.

Dr. Peter K. Rogan Lab, Western University
No classification provided (evidence only). Condition: Nonpapillary renal cell carcinoma. Review status: no classification provided. Collection method: in vitro. Allele origin: not applicable. Functional consequence: retained intron. Not counted in ClinVar's aggregate classification.

NM_001029896.2(WDR45):c.392A>G (p.Asn131Ser)

Gene: WDR45 (WD repeat domain 45; minus strand). Cytogenetic location: Xp11.23.
Variant type: single nucleotide variant.
Coding change: c.392A>G on transcript NM_001029896.2 (MANE Select); coding-DNA position 392, A replaced by G.
Protein change: p.Asn131Ser; replaces asparagine 131 with serine.
Molecular consequence: missense variant.
Genome position (GRCh38, 1-based): chrX:49,076,474, T>C on the plus strand (A>G on the coding strand, the complement: WDR45 is on the minus strand). VCF-style: chrX-49076474-T-C. GRCh37 (hg19) VCF-style: chrX-48934133-T-C.
Other names: c.395A>G, p.Asn132Ser (NM_007075.4); short protein forms N131S, N132S.
Identifiers: ClinVar variation 1468667 (VCV001468667.9), dbSNP rs781805068, ClinGen allele CA10408539.